The following is an entry in ClinVar:

NM_001111125.3(IQSEC2):c.738-10828dup

Gene: IQSEC2 (IQ motif and Sec7 domain ArfGEF 2; minus strand). Cytogenetic location: Xp11.22.
Variant type: Duplication.
Coding change: c.738-10828dup on transcript NM_001111125.3 (MANE Select); 10828 bases into the intron before coding-DNA position 738, one base duplicated (C; older notation c.738-10828dupC).
Molecular consequence: intron variant. On other transcripts: 3 prime UTR variant (1).
Genome position (GRCh38, 1-based): chrX:53,266,889, G duplicated on the plus strand (C on the coding strand, the reverse complement: IQSEC2 is on the minus strand); the first of 7 consecutive G bases (chrX:53,266,889-53,266,895); duplicating any one gives the same sequence. VCF-style (leftmost placement, unchanged base first): chrX-53266888-C-CG. GRCh37 (hg19) VCF-style: chrX-53296070-C-CG.
Other names: c.*76dup (NM_001243197.2); c.738-10828dup (NM_001410736.1); c.123-10828dup (NM_015075.2).
Identifiers: ClinVar variation 3905585 (VCV003905585.10).

ClinVar aggregate classification (germline): Likely benign (1 of 4 stars; one submission).

Submission:

CeGaT Center for Human Genetics Tuebingen
Classification: Likely benign. Last evaluated: 2025-05-01. Review status: criteria provided, single submitter. Criteria: CeGaT Center For Human Genetics Tuebingen Variant Classification Criteria Version 2. Collection method: clinical testing. Allele origin: germline. Affected: yes. Observed: 1 variant allele.
Comment: IQSEC2: BP4, BS2